The following is an entry in ClinVar:

ClinVar aggregate classification (germline): Benign/Likely benign. Review status: criteria provided, multiple submitters, no conflicts (2 of 4 stars). 2 submissions from 2 submitters: Benign (1); Likely benign (1). Last evaluated 2024-11-05.

Conditions:
Familial cancer of breast. Also called: Hereditary breast cancer; hereditary breast carcinoma; BREAST CANCER, FAMILIAL. Identifiers: Orphanet 227535, MedGen C0346153, MONDO:0016419, OMIM 114480. Disease mechanism: loss of function.

Submissions (2):

Labcorp Genetics (formerly Invitae), Labcorp
Classification: Likely benign for Familial cancer of breast. Last evaluated: 2024-11-05. Review status: criteria provided, single submitter. Criteria: Invitae Variant Classification Sherloc (09022015). Collection method: clinical testing. Allele origin: germline.

Myriad Genetics, Inc.
Classification: Benign for Familial cancer of breast. Last evaluated: 2024-07-30. Review status: criteria provided, single submitter. Criteria: Myriad Autosomal Dominant, Autosomal Recessive and X-Linked Classification Criteria (2023). Collection method: clinical testing. Allele origin: unknown.
Comment: This variant is considered benign. This variant is a silent/synonymous amino acid change and it is not expected to impact splicing.

NM_000465.4(BARD1):c.2178C>G (p.Pro726=)

Gene: BARD1 (BRCA1 associated RING domain 1; minus strand). Cytogenetic location: 2q35.
Variant type: single nucleotide variant.
Coding change: c.2178C>G on transcript NM_000465.4 (MANE Select); coding-DNA position 2178, C replaced by G.
Protein change: p.Pro726=; no amino-acid change (proline 726 retained).
Molecular consequence: synonymous variant. On other transcripts: non-coding transcript variant (3).
Genome position (GRCh38, 1-based): chr2:214,728,832, G>C on the plus strand (C>G on the coding strand, the complement: BARD1 is on the minus strand). VCF-style: chr2-214728832-G-C. GRCh37 (hg19) VCF-style: chr2-215593556-G-C.
Other names: c.2121C>G, p.Pro707= (NM_001282543.2); c.825C>G, p.Pro275= (NM_001282545.2); c.768C>G, p.Pro256= (NM_001282548.2); c.639C>G, p.Pro213= (NM_001282549.2).
Identifiers: ClinVar variation 1670578 (VCV001670578.10), dbSNP rs201873551, ClinGen allele CA431392647.